The following is an entry in ClinVar:

ClinVar aggregate classification (germline): Uncertain significance (1 of 4 stars; one submission).

Allele frequency attached by ClinVar (database versions not stated): gnomAD exomes below 0.00001; gnomAD 0.00001.
gnomAD v4.1: 2 of 1,614,074 alleles (0.00012%); highest among the groups gnomAD compares: African/African-American, 0.0013%; no homozygotes.

Submission:

Labcorp Genetics (formerly Invitae), Labcorp
Classification: Uncertain significance. Last evaluated: 2022-01-13. Review status: criteria provided, single submitter. Criteria: Invitae Variant Classification Sherloc (09022015). Collection method: clinical testing. Allele origin: germline.
Comment: This sequence change replaces glutamic acid, which is acidic and polar, with aspartic acid, which is acidic and polar, at codon 218 of the KIAA0753 protein (p.Glu218Asp). This variant is present in population databases (no rsID available, gnomAD 0.004%). This variant has not been reported in the literature in individuals affected with KIAA0753-related conditions. Algorithms developed to predict the effect of missense changes on protein structure and function are either unavailable or do not agree on the potential impact of this missense change (SIFT: "Tolerated"; PolyPhen-2: "Probably Damaging"; Align-GVGD: "Class C0"). In summary, the available evidence is currently insufficient to determine the role of this variant in disease. Therefore, it has been classified as a Variant of Uncertain Significance.

NM_014804.3(KIAA0753):c.654A>C (p.Glu218Asp)

Gene: KIAA0753 (KIAA0753; minus strand). Cytogenetic location: 17p13.1.
Variant type: single nucleotide variant.
Coding change: c.654A>C on transcript NM_014804.3 (MANE Select); coding-DNA position 654, A replaced by C.
Protein change: p.Glu218Asp; replaces glutamic acid 218 with aspartic acid.
Molecular consequence: missense variant. On other transcripts: 5 prime UTR variant (1), non-coding transcript variant (3).
Genome position (GRCh38, 1-based): chr17:6,628,181, T>G on the plus strand (A>C on the coding strand, the complement: KIAA0753 is on the minus strand). VCF-style: chr17-6628181-T-G. GRCh37 (hg19) VCF-style: chr17-6531501-T-G.
Other names: c.-581A>C (NM_001351225.2); short protein forms E218D.
Identifiers: ClinVar variation 1521390 (VCV001521390.6), dbSNP rs1410739317, ClinGen allele CA397414428.
Genomic context (GRCh38, chr17:6,628,181, plus strand): 5'-TTTAGTTACCTCTTCAATTTTGTGGATACAACTGCTCAGTTCTTTCTGGAGTCGCTGGAC[T>G]TCTAGCAGGCTTTTCTGTTCACTTATGTTTTTGTGGTCACCTATCCTGGGATGAGGCTGA-3'
Protein context (NP_055619.2, residues 208-228): KNISEQKSLL[Glu218Asp]VQRLQKELSS